The following is an entry in ClinVar:

ClinVar aggregate classification (germline): Likely pathogenic (1 of 4 stars; one submission).

Conditions:
TCF12-related disorder. Also called: TCF12-related condition.

Submission:

PreventionGenetics, part of Exact Sciences
Classification: Likely pathogenic for TCF12-related condition. Last evaluated: 2026-05-22. Review status: criteria provided, single submitter. Criteria: ACMG Guidelines, 2015. Collection method: clinical testing. Allele origin: germline.
Comment: The TCF12 c.1369_1370delCA variant is predicted to result in premature protein termination (p.His457*). To our knowledge, this variant has not been reported in the literature or in a large population database, indicating this variant is rare. Nonsense variants in TCF12 are expected to be pathogenic. This variant is interpreted as likely pathogenic.

NM_207037.2(TCF12):c.1369_1370del (p.Ile456_His457insTer)

Gene: TCF12 (transcription factor 12; plus strand). Cytogenetic location: 15q21.3.
Variant type: Deletion.
Coding change: c.1369_1370del on transcript NM_207037.2 (MANE Select); coding-DNA positions 1369 to 1370, 2 bases deleted (CA; older notation c.1369_1370delCA).
Protein change: p.Ile456_His457insTer.
Molecular consequence: nonsense.
Genome position (GRCh38, 1-based): chr15:57,253,370-57,253,371, CA deleted; deleting any 2 consecutive bases within chr15:57,253,369-57,253,371 gives the same sequence; the c. name uses the placement nearest the transcript's 3' end. VCF-style (leftmost placement, unchanged base first): chr15-57253368-TAC-T. GRCh37 (hg19) VCF-style: chr15-57545566-TAC-T.
Other names: c.859_860del, p.Ile286_His287insTer (NM_001306219.3); c.589_590del, p.Ile196_His197insTer (NM_001306220.3); c.1369_1370del, p.Ile456_His457insTer (NM_001322151.2, NM_001322152.2, NM_001322159.3 and 2 more transcripts); c.712_713del, p.Ile237_His238insTer (NM_001322154.2); c.1195_1196del, p.Ile398_His399insTer (NM_001322156.2); c.1297_1298del, p.Ile432_His433insTer (NM_001322157.3, NM_001322165.2, NM_003205.4 and 1 more transcripts); c.1123_1124del, p.Ile374_His375insTer (NM_001322158.2); c.1366_1367del, p.Ile455_His456insTer (NM_001322161.2); and 2 more.
Identifiers: ClinVar variation 2631024 (VCV002631024.3), dbSNP rs2551484992, ClinGen allele CA2695197289.